The following is an entry in ClinVar:

NM_020693.4(DSCAML1):c.4831A>G (p.Ile1611Val)

Gene: DSCAML1 (DS cell adhesion molecule like 1; minus strand). Cytogenetic location: 11q23.3.
Variant type: single nucleotide variant.
Coding change: c.4831A>G on transcript NM_020693.4 (MANE Select); coding-DNA position 4831, A replaced by G.
Protein change: p.Ile1611Val; replaces isoleucine 1611 with valine.
Molecular consequence: missense variant.
Genome position (GRCh38, 1-based): chr11:117,435,689, T>C on the plus strand (A>G on the coding strand, the complement: DSCAML1 is on the minus strand). VCF-style: chr11-117435689-T-C. GRCh37 (hg19) VCF-style: chr11-117306405-T-C.
Other names: short protein forms I1611V.
Identifiers: ClinVar variation 1503917 (VCV001503917.6), dbSNP rs768763680, ClinGen allele CA6296257.

ClinVar aggregate classification (germline): Uncertain significance (1 of 4 stars; one submission).

Allele frequency attached by ClinVar (database versions not stated): gnomAD 0.00001; gnomAD exomes 0.00004 and 0.00010; TOPMed 0.00004; ExAC 0.00014.
gnomAD v4.1: 30 of 1,611,268 alleles (0.0019%); highest among the groups gnomAD compares: Admixed American, 0.045%; no homozygotes.

Submission:

Labcorp Genetics (formerly Invitae), Labcorp
Classification: Uncertain significance. Last evaluated: 2026-01-05. Review status: criteria provided, single submitter. Criteria: Invitae Variant Classification Sherloc (09022015). Collection method: clinical testing. Allele origin: germline.
Comment: This sequence change replaces isoleucine, which is neutral and non-polar, with valine, which is neutral and non-polar, at codon 1671 of the DSCAML1 protein (p.Ile1671Val). This variant is present in population databases (rs768763680, gnomAD 0.06%), and has an allele count higher than expected for a pathogenic variant. This variant has not been reported in the literature in individuals affected with DSCAML1-related conditions. ClinVar contains an entry for this variant (Variation ID: 1503917). An algorithm developed to predict the effect of missense changes on protein structure and function outputs the following: PolyPhen-2: "Benign". The valine amino acid residue is found in multiple mammalian species, which suggests that this missense change does not adversely affect protein function. In summary, the available evidence is currently insufficient to determine the role of this variant in disease. Therefore, it has been classified as a Variant of Uncertain Significance.